The following is an entry in ClinVar:

ClinVar aggregate classification (germline): Uncertain significance (1 of 4 stars; one submission).

Conditions:
Familial thoracic aortic aneurysm and aortic dissection (TAAD). Also called: Thoracic aortic aneurysms and dissections. Identifiers: Orphanet 91387, MedGen C4707243, MONDO:0019625.

Allele frequency attached by ClinVar (database versions not stated): gnomAD exomes below 0.00001.
gnomAD v4.1: 1 of 1,614,046 alleles (0.000062%); highest among the groups gnomAD compares: Admixed American, 0.0017%; no homozygotes.

Submission:

Color Diagnostics, LLC DBA Color Health
Classification: Uncertain significance for Familial thoracic aortic aneurysm and aortic dissection. Last evaluated: 2021-07-26. Review status: criteria provided, single submitter. Criteria: ACMG Guidelines, 2015. Collection method: clinical testing. Allele origin: germline.
Comment: This variant causes a C to G nucleotide substitution at the -9 position of intron 16 of the FBN1 gene. To our knowledge, functional studies have not been reported for this variant. This variant has not been reported in individuals affected with cardiovascular disorders in the literature. This variant has been identified in 1/251308 chromosomes in the general population by the Genome Aggregation Database (gnomAD). The available evidence is insufficient to determine the role of this variant in disease conclusively. Therefore, this variant is classified as a Variant of Uncertain Significance.

NM_000138.5(FBN1):c.1961-9C>G

Gene: FBN1 (fibrillin 1; minus strand). Cytogenetic location: 15q21.1.
Variant type: single nucleotide variant.
Coding change: c.1961-9C>G on transcript NM_000138.5 (MANE Select); 9 bases into the intron before coding-DNA position 1961, C replaced by G.
Molecular consequence: intron variant.
Genome position (GRCh38, 1-based): chr15:48,503,948, G>C on the plus strand (C>G on the coding strand, the complement: FBN1 is on the minus strand). VCF-style: chr15-48503948-G-C. GRCh37 (hg19) VCF-style: chr15-48796145-G-C.
Identifiers: ClinVar variation 1332348 (VCV001332348.2), dbSNP rs1323690451, ClinGen allele CA617839087.